The following is an entry in ClinVar:

NM_025132.4(WDR19):c.3565C>T (p.His1189Tyr)

Gene: WDR19 (WD repeat domain 19; plus strand). Cytogenetic location: 4p14.
Variant type: single nucleotide variant.
Coding change: c.3565C>T on transcript NM_025132.4 (MANE Select); coding-DNA position 3565, C replaced by T.
Protein change: p.His1189Tyr; replaces histidine 1189 with tyrosine.
Molecular consequence: missense variant.
Genome position (GRCh38, 1-based): chr4:39,273,061, C>T. VCF-style: chr4-39273061-C-T. GRCh37 (hg19) VCF-style: chr4-39274681-C-T.
Other names: c.3085C>T, p.His1029Tyr (NM_001317924.2); short protein forms H1189Y, H1029Y.
Identifiers: ClinVar variation 444633 (VCV000444633.50), dbSNP rs778261943, ClinGen allele CA2892415.

ClinVar aggregate classification (germline): Uncertain significance. Review status: criteria provided, multiple submitters, no conflicts (2 of 4 stars). 3 submissions from 3 submitters: Uncertain significance (3). Last evaluated 2024-01-20.

Conditions:
Senior-Loken syndrome 8 (SLSN8). Identifiers: Orphanet 3156, MedGen C4225376, MONDO:0014579, OMIM 616307.
Spermatogenic failure 72 (SPGF72). Identifiers: MedGen C5676980, MONDO:0030809, OMIM 619867.
Asphyxiating thoracic dystrophy 5 (SRTD5). Also called: SHORT-RIB THORACIC DYSPLASIA 5 WITH OR WITHOUT POLYDACTYLY; SHORT-RIB THORACIC DYSPLASIA 5 WITHOUT POLYDACTYLY. Identifiers: Orphanet 474, MedGen C3280598, MONDO:0013717, OMIM 614376.
Nephronophthisis 13 (NPHP13). Identifiers: Orphanet 655, MedGen C3280612, MONDO:0013718, OMIM 614377.
Cranioectodermal dysplasia 4 (CED4). Identifiers: Orphanet 1515, MedGen C3280616, MONDO:0013719, OMIM 614378.

Allele frequency attached by ClinVar (database versions not stated): gnomAD 0.00001; ExAC 0.00003.
gnomAD v4.1: 13 of 1,600,458 alleles (0.00081%); highest among the groups gnomAD compares: South Asian, 0.008%; no homozygotes.

Submissions (3):

Fulgent Genetics
Classification: Uncertain significance for Asphyxiating thoracic dystrophy 5; Nephronophthisis 13; Cranioectodermal dysplasia 4; Senior-Loken syndrome 8; Spermatogenic failure 72. Last evaluated: 2024-01-20. Review status: criteria provided, single submitter. Criteria: ACMG Guidelines, 2015. Collection method: clinical testing. Allele origin: germline.

Labcorp Genetics (formerly Invitae), Labcorp
Classification: Uncertain significance for Senior-Loken syndrome 8; Asphyxiating thoracic dystrophy 5. Last evaluated: 2022-07-19. Review status: criteria provided, single submitter. Criteria: Invitae Variant Classification Sherloc (09022015). Collection method: clinical testing. Allele origin: germline.
Comment: In summary, the available evidence is currently insufficient to determine the role of this variant in disease. Therefore, it has been classified as a Variant of Uncertain Significance. Algorithms developed to predict the effect of sequence changes on RNA splicing suggest that this variant may disrupt the consensus splice site. Algorithms developed to predict the effect of missense changes on protein structure and function (SIFT, PolyPhen-2, Align-GVGD) all suggest that this variant is likely to be disruptive. ClinVar contains an entry for this variant (Variation ID: 444633). This variant has not been reported in the literature in individuals affected with WDR19-related conditions. This variant is present in population databases (rs778261943, gnomAD 0.007%). This sequence change replaces histidine, which is basic and polar, with tyrosine, which is neutral and polar, at codon 1189 of the WDR19 protein (p.His1189Tyr).

CeGaT Center for Human Genetics Tuebingen
Classification: Uncertain significance. Last evaluated: 2017-06-01. Review status: criteria provided, single submitter. Criteria: CeGaT Center For Human Genetics Tuebingen Variant Classification Criteria Version 2. Collection method: clinical testing. Allele origin: germline. Affected: yes. Observed: 1 variant allele.